The following is an entry in ClinVar:

ClinVar aggregate classification (germline): Uncertain significance. Review status: criteria provided, multiple submitters, no conflicts (2 of 4 stars). 2 submissions from 2 submitters: Uncertain significance (2). Last evaluated 2023-06-14.

Conditions:
Hereditary cancer-predisposing syndrome. Also called: Neoplastic Syndromes, Hereditary; Hereditary Cancer Syndrome; Tumor predisposition; Hereditary neoplastic syndrome. Identifiers: Orphanet 140162, MedGen C0027672, MeSH D009386, MONDO:0015356.
Microcephaly, normal intelligence and immunodeficiency (NBS). Also called: IMMUNODEFICIENCY, MICROCEPHALY, AND CHROMOSOMAL INSTABILITY; Ataxia telangiectasia variant V1; SEEMANOVA SYNDROME II; Immunodeficiency, microcephaly with normal intelligence; BERLIN BREAKAGE SYNDROME; Nijmegen breakage syndrome. Identifiers: Orphanet 647, MedGen C0398791, MONDO:0009623, OMIM 251260.

gnomAD v4.1: 2 of 1,613,694 alleles (0.00012%); highest among the groups gnomAD compares: Non-Finnish European, 0.00017%; no homozygotes.

Submissions (2):

Ambry Genetics
Classification: Uncertain significance for Hereditary cancer-predisposing syndrome. Last evaluated: 2023-06-14. Review status: criteria provided, single submitter. Criteria: Ambry Variant Classification Scheme 2023. Collection method: clinical testing. Allele origin: germline.
Comment: The p.M317K variant (also known as c.950T>A), located in coding exon 8 of the NBN gene, results from a T to A substitution at nucleotide position 950. The methionine at codon 317 is replaced by lysine, an amino acid with similar properties. This alteration was reported in studies of early-onset breast cancer cases and population controls (Damiola F et al. Breast Cancer Res, 2014 Jun;16:R58; Young EL et al. J Med Genet, 2016 Jun;53:366-76). This amino acid position is well conserved in available vertebrate species. In addition, the in silico prediction for this alteration is inconclusive. Since supporting evidence is limited at this time, the clinical significance of this alteration remains unclear.

Labcorp Genetics (formerly Invitae), Labcorp
Classification: Uncertain significance for Microcephaly, normal intelligence and immunodeficiency. Last evaluated: 2022-12-23. Review status: criteria provided, single submitter. Criteria: Invitae Variant Classification Sherloc (09022015). Collection method: clinical testing. Allele origin: germline.
Comment: In summary, the available evidence is currently insufficient to determine the role of this variant in disease. Therefore, it has been classified as a Variant of Uncertain Significance. Algorithms developed to predict the effect of missense changes on protein structure and function (SIFT, PolyPhen-2, Align-GVGD) all suggest that this variant is likely to be tolerated. This variant has not been reported in the literature in individuals affected with NBN-related conditions. This variant is not present in population databases (gnomAD no frequency). This sequence change replaces methionine, which is neutral and non-polar, with lysine, which is basic and polar, at codon 317 of the NBN protein (p.Met317Lys).

Literature cited by the submitters: PubMed 24894818 (cited by Ambry Genetics); PubMed 26787654 (cited by Ambry Genetics).

NM_002485.5(NBN):c.950T>A (p.Met317Lys)

Gene: NBN (nibrin; minus strand). Cytogenetic location: 8q21.3.
Variant type: single nucleotide variant.
Coding change: c.950T>A on transcript NM_002485.5 (MANE Select); coding-DNA position 950, T replaced by A.
Protein change: p.Met317Lys; replaces methionine 317 with lysine.
Molecular consequence: missense variant.
Genome position (GRCh38, 1-based): chr8:89,964,454, A>T on the plus strand (T>A on the coding strand, the complement: NBN is on the minus strand). VCF-style: chr8-89964454-A-T. GRCh37 (hg19) VCF-style: chr8-90976682-A-T.
Other names: c.704T>A, p.Met235Lys (NM_001024688.3); short protein forms M235K, M317K.
Identifiers: ClinVar variation 2566741 (VCV002566741.5), dbSNP rs1586075983, ClinGen allele CA371656980.